The following is an entry in ClinVar:

ClinVar aggregate classification (germline): Uncertain significance (1 of 4 stars; one submission).

Conditions:
Welander distal myopathy (WDM). Also called: Gower's muscular dystrophy; Welander distal myopathy, Swedish type; Distal myopathy, Swedish type; MUSCULAR DYSTROPHY, DISTAL, LATE-ONSET, AUTOSOMAL DOMINANT. Identifiers: Orphanet 603, MedGen C0221054, MONDO:0011466, OMIM 604454.

Allele frequency attached by ClinVar (database versions not stated): gnomAD 0.00001; gnomAD exomes 0.00001 and 0.00002; TOPMed 0.00002; ExAC 0.00005; 1000 Genomes Project 30x 0.00016; 1000 Genomes Project 0.00020.
gnomAD v4.1: 9 of 1,605,082 alleles (0.00056%); highest among the groups gnomAD compares: Admixed American, 0.015%; no homozygotes.

Submission:

Labcorp Genetics (formerly Invitae), Labcorp
Classification: Uncertain significance for Welander distal myopathy. Last evaluated: 2024-03-11. Review status: criteria provided, single submitter. Criteria: Invitae Variant Classification Sherloc (09022015). Collection method: clinical testing. Allele origin: germline.
Comment: This sequence change replaces glutamine, which is neutral and polar, with proline, which is neutral and non-polar, at codon 386 of the TIA1 protein (p.Gln386Pro). This variant is present in population databases (rs199700349, gnomAD 0.01%). This variant has not been reported in the literature in individuals affected with TIA1-related conditions. ClinVar contains an entry for this variant (Variation ID: 1406976). An algorithm developed to predict the effect of missense changes on protein structure and function (PolyPhen-2) suggests that this variant is likely to be disruptive. In summary, the available evidence is currently insufficient to determine the role of this variant in disease. Therefore, it has been classified as a Variant of Uncertain Significance.

NM_022173.4(TIA1):c.1157A>C (p.Gln386Pro)

Gene: TIA1 (TIA1 cytotoxic granule associated RNA binding protein; minus strand). Cytogenetic location: 2p13.3.
Variant type: single nucleotide variant.
Coding change: c.1157A>C on transcript NM_022173.4 (MANE Select); coding-DNA position 1157, A replaced by C.
Protein change: p.Gln386Pro; replaces glutamine 386 with proline.
Molecular consequence: missense variant. On other transcripts: non-coding transcript variant (17).
Genome position (GRCh38, 1-based): chr2:70,212,723, T>G on the plus strand (A>C on the coding strand, the complement: TIA1 is on the minus strand). VCF-style: chr2-70212723-T-G. GRCh37 (hg19) VCF-style: chr2-70439855-T-G.
Other names: c.1154A>C, p.Gln385Pro (NM_001351508.2); c.1130A>C, p.Gln377Pro (NM_001351509.2); c.1121A>C, p.Gln374Pro (NM_001351510.2); c.1046A>C, p.Gln349Pro (NM_001351511.1); c.1019A>C, p.Gln340Pro (NM_001351512.1); c.1013A>C, p.Gln338Pro (NM_001351513.1); c.929A>C, p.Gln310Pro (NM_001351514.2); c.854A>C, p.Gln285Pro (NM_001351515.2); and 3 more; short protein forms Q245P, Q349P, Q310P, Q385P, Q386P, Q285P, Q340P, Q374P.
Identifiers: ClinVar variation 1406976 (VCV001406976.5), dbSNP rs199700349, ClinGen allele CA1697381.